The following is an entry in ClinVar:

ClinVar aggregate classification (germline): Pathogenic (1 of 4 stars; one submission).

Conditions:
DICER1-related tumor predisposition. Also called: DICER1-related pleuropulmonary blastoma cancer predisposition syndrome; DICER1 syndrome. Identifiers: Orphanet 284343, MedGen C3839822, MONDO:0100216.

Submission:

Labcorp Genetics (formerly Invitae), Labcorp
Classification: Pathogenic for DICER1-related tumor predisposition. Last evaluated: 2022-11-18. Review status: criteria provided, single submitter. Criteria: Invitae Variant Classification Sherloc (09022015). Collection method: clinical testing. Allele origin: germline.
Comment: This variant has not been reported in the literature in individuals affected with DICER1-related conditions. For these reasons, this variant has been classified as Pathogenic. This variant is not present in population databases (gnomAD no frequency). This sequence change creates a premature translational stop signal (p.Met1825Cysfs*13) in the DICER1 gene. It is expected to result in an absent or disrupted protein product. Loss-of-function variants in DICER1 are known to be pathogenic (PMID: 19556464, 21266384).

Literature cited by the submitters: PubMed 19556464; PubMed 21266384.

NM_177438.3(DICER1):c.5472del (p.Met1825fs)

Gene: DICER1 (dicer 1, ribonuclease III; minus strand). Cytogenetic location: 14q32.13.
Variant type: Deletion.
Coding change: c.5472del on transcript NM_177438.3 (MANE Select); coding-DNA position 5472, one base deleted (G; older notation c.5472delG).
Protein change: p.Met1825fs; shifts the reading frame from methionine 1825.
Molecular consequence: frameshift variant. On other transcripts: non-coding transcript variant (6), intron variant (1).
Genome position (GRCh38, 1-based): chr14:95,091,258, C deleted on the plus strand (G on the coding strand, the reverse complement: DICER1 is on the minus strand); the first of 3 consecutive C bases (chr14:95,091,258-95,091,260); deleting any one gives the same sequence. VCF-style (leftmost placement, unchanged base first): chr14-95091257-TC-T. GRCh37 (hg19) VCF-style: chr14-95557594-TC-T.
Other names: c.5472del, p.Met1825fs (NM_001271282.3, NM_001291628.2, NM_001395677.1 and 7 more transcripts); c.5470delG, p.Met1825Cysfs (NM_001395681.1); c.5190del, p.Met1731fs (NM_001395686.1); c.5067del, p.Met1690fs (NM_001395687.1, NM_001395688.1, NM_001395689.1 and 1 more transcripts); c.4905del, p.Met1636fs (NM_001395691.1); c.3789del, p.Met1264fs (NM_001395697.1); c.5365-149del (NM_001195573.1); short protein forms M1690fs, M1264fs, M1636fs, M1731fs, M1825fs.
Identifiers: ClinVar variation 2095728 (VCV002095728.4), dbSNP rs2542405102, ClinGen allele CA2580088998.